The following is an entry in ClinVar:

ClinVar aggregate classification (germline): Uncertain significance (1 of 4 stars; one submission).

Submission:

Labcorp Genetics (formerly Invitae), Labcorp
Classification: Uncertain significance. Last evaluated: 2021-04-02. Review status: criteria provided, single submitter. Criteria: Invitae Variant Classification Sherloc (09022015). Collection method: clinical testing. Allele origin: germline.
Comment: In summary, the available evidence is currently insufficient to determine the role of this variant in disease. Therefore, it has been classified as a Variant of Uncertain Significance. Algorithms developed to predict the effect of missense changes on protein structure and function are either unavailable or do not agree on the potential impact of this missense change (SIFT: "Tolerated"; PolyPhen-2: "Probably Damaging"; Align-GVGD: "Class C0"). This variant has not been reported in the literature in individuals with PAFAH1B1-related conditions. This variant is not present in population databases (ExAC no frequency). This sequence change replaces arginine with proline at codon 144 of the PAFAH1B1 protein (p.Arg144Pro). The arginine residue is highly conserved and there is a moderate physicochemical difference between arginine and proline.

NM_000430.4(PAFAH1B1):c.431G>C (p.Arg144Pro)

Gene: PAFAH1B1 (platelet activating factor acetylhydrolase 1b regulatory subunit 1; plus strand). Cytogenetic location: 17p13.3.
Variant type: single nucleotide variant.
Coding change: c.431G>C on transcript NM_000430.4 (MANE Select); coding-DNA position 431, G replaced by C.
Protein change: p.Arg144Pro; replaces arginine 144 with proline.
Molecular consequence: missense variant.
Genome position (GRCh38, 1-based): chr17:2,670,194, G>C. VCF-style: chr17-2670194-G-C. GRCh37 (hg19) VCF-style: chr17-2573488-G-C.
Other names: short protein forms R144P.
Identifiers: ClinVar variation 1522365 (VCV001522365.8), dbSNP rs2151663968, ClinGen allele CA397639897.